The following is an entry in ClinVar:

ClinVar aggregate classification (germline): Uncertain significance. Review status: criteria provided, multiple submitters, no conflicts (2 of 4 stars). 2 submissions from 2 submitters: Uncertain significance (2). Last evaluated 2025-06-07.

Allele frequency attached by ClinVar (database versions not stated): gnomAD exomes 0.00001; gnomAD 0.00001; TOPMed 0.00003; ESP Exome Variant Server 0.00008; ExAC 0.00001.
gnomAD v4.1: 9 of 1,613,810 alleles (0.00056%); highest among the groups gnomAD compares: East Asian, 0.0067%; no homozygotes.

Submissions (2):

Ambry Genetics
Classification: Uncertain significance. Last evaluated: 2025-06-07. Review status: criteria provided, single submitter. Criteria: Ambry Variant Classification Scheme 2023. Collection method: clinical testing. Allele origin: germline.

Labcorp Genetics (formerly Invitae), Labcorp
Classification: Uncertain significance. Last evaluated: 2022-07-21. Review status: criteria provided, single submitter. Criteria: Invitae Variant Classification Sherloc (09022015). Collection method: clinical testing. Allele origin: germline.
Comment: In summary, the available evidence is currently insufficient to determine the role of this variant in disease. Therefore, it has been classified as a Variant of Uncertain Significance. Algorithms developed to predict the effect of missense changes on protein structure and function are either unavailable or do not agree on the potential impact of this missense change (SIFT: "Deleterious"; PolyPhen-2: "Benign"; Align-GVGD: "Class C45"). This variant has not been reported in the literature in individuals affected with XPO5-related conditions. This variant is present in population databases (rs373330630, gnomAD 0.006%). This sequence change replaces tyrosine, which is neutral and polar, with cysteine, which is neutral and slightly polar, at codon 908 of the XPO5 protein (p.Tyr908Cys).

NM_020750.3(XPO5):c.2723A>G (p.Tyr908Cys)

Genes: POLR1C (RNA polymerase I and III subunit C; plus strand), XPO5 (exportin 5; minus strand). Cytogenetic location: 6p21.1.
Variant type: single nucleotide variant.
Coding change: c.2723A>G on transcript NM_020750.3 (MANE Select); coding-DNA position 2723, A replaced by G.
Protein change: p.Tyr908Cys; replaces tyrosine 908 with cysteine.
Molecular consequence: missense variant. On other transcripts: non-coding transcript variant (1), intron variant (2).
Genome position (GRCh38, 1-based): chr6:43,528,880, T>C on the plus strand (A>G on the coding strand, the complement: XPO5 is on the minus strand). VCF-style: chr6-43528880-T-C. GRCh37 (hg19) VCF-style: chr6-43496618-T-C.
Other names: c.922+7832T>C (NM_001363658.2); c.923-369T>C (NM_001318876.2); short protein forms Y908C.
Identifiers: ClinVar variation 1940457 (VCV001940457.5), dbSNP rs373330630, ClinGen allele CA3826014.